The following is an entry in ClinVar:

ClinVar aggregate classification (germline): Benign/Likely benign. Review status: criteria provided, multiple submitters, no conflicts (2 of 4 stars). 3 submissions from 3 submitters: Benign (2); Likely benign (1). Last evaluated 2026-01-31.

Conditions:
Nemaline myopathy 2 (NEM2). Also called: Nemaline myopathy 2, autosomal recessive. Identifiers: MedGen C1850569, MONDO:0009725, OMIM 256030.

Allele frequency attached by ClinVar (database versions not stated): ESP Exome Variant Server 0.00017; TOPMed 0.00056; 1000 Genomes Project 0.00060; 1000 Genomes Project 30x 0.00062; gnomAD exomes 0.00067 and 0.00111; ExAC 0.00069; gnomAD 0.00070 and 0.00071.
gnomAD v4.1: 1,697 of 1,605,086 alleles (0.11%); highest among the groups gnomAD compares: Non-Finnish European, 0.13%; 1 homozygote.

Submissions (3):

Labcorp Genetics (formerly Invitae), Labcorp
Classification: Benign for Nemaline myopathy 2. Last evaluated: 2026-01-31. Review status: criteria provided, single submitter. Criteria: Invitae Variant Classification Sherloc (09022015). Collection method: clinical testing. Allele origin: germline.

GeneDx
Classification: Likely benign. Last evaluated: 2023-10-11. Review status: criteria provided, single submitter. Criteria: GeneDx Variant Classification Process June 2021. Collection method: clinical testing. Allele origin: germline. Affected: yes.
Comment: See Variant Classification Assertion Criteria.

Women's Health and Genetics/Laboratory Corporation of America, LabCorp
Classification: Benign. Last evaluated: 2023-10-11. Review status: criteria provided, single submitter. Criteria: LabCorp Variant Classification Summary - May 2015. Collection method: clinical testing. Allele origin: germline.
Comment: Variant summary: NEB c.4720-18C>T alters a non-conserved nucleotide located at a position not widely known to affect splicing. Consensus agreement among computation tools predict no significant impact on normal splicing. However, these predictions have yet to be confirmed by functional studies. The variant allele was found at a frequency of 0.00067 in 243524 control chromosomes (gnomAD). To our knowledge, no occurrence of c.4720-18C>T in individuals affected with Nemaline Myopathy 2 and no experimental evidence demonstrating its impact on protein function have been reported. Two submitters have cited clinical-significance assessments for this variant to ClinVar after 2014. All submitters classified the variant as benign/likely benign. Based on the evidence outlined above, the variant was classified as benign.

NM_001164508.2(NEB):c.4720-18C>T

Gene: NEB (nebulin; minus strand). Cytogenetic location: 2q23.3.
Variant type: single nucleotide variant.
Coding change: c.4720-18C>T on transcript NM_001164508.2 (MANE Select); 18 bases into the intron before coding-DNA position 4720, C replaced by T.
Molecular consequence: intron variant.
Genome position (GRCh38, 1-based): chr2:151,666,419, G>A on the plus strand (C>T on the coding strand, the complement: NEB is on the minus strand). VCF-style: chr2-151666419-G-A. GRCh37 (hg19) VCF-style: chr2-152522933-G-A.
Other names: c.4720-18C>T (NM_004543.5, NM_001164507.2, NM_001271208.2).
Identifiers: ClinVar variation 506347 (VCV000506347.11), dbSNP rs79402065, ClinGen allele CA1910547.
Genomic context (GRCh38, chr2:151,666,419, plus strand): 5'-CTTGCTTGCCTTTGGCTTTCTCGTAGGCCTCCTTATATTTGCACTATTTGAAAACAAAGG[G>A]CAAACAGAAGTTGGCTAGCATAGAAGTCTGATATAAACTGAATTTATACAACAAATTAAG-3'